The following is an entry in ClinVar:

NM_006786.4(UTS2):c.72T>C (p.Leu24=)

Gene: UTS2 (urotensin 2; minus strand). Cytogenetic location: 1p36.23.
Variant type: single nucleotide variant.
Coding change: c.72T>C on transcript NM_006786.4 (MANE Select); coding-DNA position 72, T replaced by C.
Protein change: p.Leu24=; no amino-acid change (leucine 24 retained).
Molecular consequence: synonymous variant. On other transcripts: intron variant (1).
Genome position (GRCh38, 1-based): chr1:7,852,932, A>G on the plus strand (T>C on the coding strand, the complement: UTS2 is on the minus strand). VCF-style: chr1-7852932-A-G. GRCh37 (hg19) VCF-style: chr1-7912992-A-G.
Other names: c.126-9T>C (NM_021995.2).
Identifiers: ClinVar variation 2638145 (VCV002638145.24), dbSNP rs145512502, ClinGen allele CA569033.
Genomic context (GRCh38, chr1:7,852,932, plus strand): 5'-CTAACATAAGGGGAAAAAAAAAATCTTACCTGAGAGTTGAAAGGATATTTCCCTGGAGTC[A>G]AGGAGAGGAAGAGATAAGAGAGGATTTAAGAATCCTATGAAAAGCAAACAGCAGGAGGCC-3'
Protein context (NP_006777.1, residues 14-34): FLNPLLSLPL[Leu24=]DSREISFQLS

ClinVar aggregate classification (germline): Likely benign (1 of 4 stars; one submission).

Allele frequency attached by ClinVar (database versions not stated): ExAC 0.00065; gnomAD 0.00083; TOPMed 0.00090; gnomAD exomes 0.00092; ESP Exome Variant Server 0.00138.
gnomAD v4.1: 1,457 of 1,612,710 alleles (0.09%); highest among the groups gnomAD compares: Non-Finnish European, 0.11%; no homozygotes.

Submission:

CeGaT Center for Human Genetics Tuebingen
Classification: Likely benign. Last evaluated: 2022-03-01. Review status: criteria provided, single submitter. Criteria: CeGaT Center For Human Genetics Tuebingen Variant Classification Criteria Version 2. Collection method: clinical testing. Allele origin: germline. Affected: yes. Observed: 1 variant allele.
Comment: UTS2: BP4, BP7